The following is an entry in ClinVar:

ClinVar aggregate classification (germline): Conflicting classifications of pathogenicity. Review status: criteria provided, conflicting classifications (1 of 4 stars). 13 submissions from 11 submitters: Uncertain significance (1); Benign (10); Likely benign (1). 1 of the submissions does not count toward it. Last evaluated 2026-02-04.

Conditions:
Maturity-onset diabetes of the young (MODY). Also called: Maturity onset diabetes mellitus in young. Identifiers: Orphanet 552, MedGen C0342276, MONDO:0018911, HP:0004904.
Nonpapillary renal cell carcinoma. Identifiers: Orphanet 422526, MedGen CN074294, MONDO:0007763, OMIM 144700.
Maturity-onset diabetes of the young type 3. Also called: MODY type 3; MODY, type III. Identifiers: Orphanet 552, MedGen C1838100, MeSH C563933, MONDO:0010894, OMIM 600496. Disease mechanism: loss of function.
Type 2 diabetes mellitus. Also called: Type II diabetes mellitus. Identifiers: MedGen C0011860, MeSH D003924, MONDO:0005148, OMIM 125853, HP:0005978.

Allele frequency attached by ClinVar (database versions not stated): ESP Exome Variant Server 0.41747; TOPMed 0.41964; 1000 Genomes Project 30x 0.42083; gnomAD 0.42543; 1000 Genomes Project 0.42851; gnomAD exomes 0.46939; ExAC 0.47217.
gnomAD v4.1: 732,355 of 1,612,708 alleles (45%); highest among the groups gnomAD compares: Middle Eastern, 63%; 168,468 homozygotes.

Submissions (13):

Labcorp Genetics (formerly Invitae), Labcorp
Classification: Benign. Last evaluated: 2026-02-04. Review status: criteria provided, single submitter. Criteria: Invitae Variant Classification Sherloc (09022015). Collection method: clinical testing. Allele origin: germline.

KCCC/NGS Laboratory, Kuwait Cancer Control Center
Classification: Benign for Maturity-onset diabetes of the young type 3. Last evaluated: 2025-02-01. Review status: criteria provided, single submitter. Criteria: ACMG Guidelines, 2015. Collection method: clinical testing. Allele origin: germline. Affected: no.

Blueprint Genetics
Classification: Benign. Last evaluated: 2024-11-27. Review status: criteria provided, single submitter. Criteria: ACMG Guidelines, 2015. Collection method: clinical testing. Allele origin: germline.

KCCC/NGS Laboratory, Kuwait Cancer Control Center
Classification: Benign for Nonpapillary renal cell carcinoma. Last evaluated: 2023-07-07. Review status: criteria provided, single submitter. Criteria: ACMG Guidelines, 2015. Collection method: clinical testing. Allele origin: germline. Affected: yes.

Genome-Nilou Lab
Classification: Benign for Maturity-onset diabetes of the young type 3. Last evaluated: 2021-08-10. Review status: criteria provided, single submitter. Criteria: ACMG Guidelines, 2015. Collection method: clinical testing. Allele origin: germline. Affected: no.

Illumina Laboratory Services, Illumina
Classification: Benign for Maturity-onset diabetes of the young type 3. Last evaluated: 2018-01-12. Review status: criteria provided, single submitter. Criteria: ICSL Variant Classification Criteria 13 December 2019. Collection method: clinical testing. Allele origin: germline.
Comment: This variant was observed in the ICSL laboratory as part of a predisposition screen in an ostensibly healthy population. It had not been previously curated by ICSL or reported in the Human Gene Mutation Database (HGMD: prior to June 1st, 2018), and was therefore a candidate for classification through an automated scoring system. Utilizing variant allele frequency, disease prevalence and penetrance estimates, and inheritance mode, an automated score was calculated to assess if this variant is too frequent to cause the disease. Based on the score and internal cut-off values, a variant classified as benign is not then subjected to further curation. The score for this variant resulted in a classification of benign for this disease.

Athena Diagnostics
Classification: Benign. Last evaluated: 2017-07-12. Review status: criteria provided, single submitter. Criteria: Athena Diagnostics Criteria. Collection method: clinical testing. Allele origin: germline.

Ambry Genetics
Classification: Benign for Maturity-onset diabetes of the young. Last evaluated: 2014-12-08. Review status: criteria provided, single submitter. Criteria: Ambry Variant Classification Scheme 2023. Collection method: clinical testing. Allele origin: germline.

GeneDx
Classification: Benign. Last evaluated: 2013-10-22. Review status: criteria provided, single submitter. Criteria: GeneDx Variant Classification (06012015). Collection method: clinical testing. Allele origin: germline. Affected: yes.
Comment: This variant is considered likely benign or benign based on one or more of the following criteria: it is a conservative change, it occurs at a poorly conserved position in the protein, it is predicted to be benign by multiple in silico algorithms, and/or has population frequency not consistent with disease.

Clinical Genomics, Uppaluri K&H Personalized Medicine Clinic
Classification: Uncertain significance for Type 2 diabetes mellitus. Review status: criteria provided, single submitter. Criteria: K&H Uppaluri Personalized Medicine Clinic Variant Classification & Assertion Criteria. Collection method: research. Allele origin: somatic. Inheritance: Autosomal dominant inheritance.
Comment: Mutations in HNF1A gene can predispose to MODY3. It is associated with both micro and macrovascular complications of diabetes, especially cardiovascular complications. Associated with glucosuria and response to sulfonylureas. However, the role of rs1169289 of the HNF1A gene in predisposition for diabetes is not certain and needs clinical evidence.

Clinical Genomics, Uppaluri K&H Personalized Medicine Clinic
Classification: Likely benign for Maturity-onset diabetes of the young. Review status: criteria provided, single submitter. Criteria: K & H Uppaluri Personalized Medicine Clinic Variant Classification & Assertion Criteria_Updated V.1. Collection method: research. Allele origin: unknown. Inheritance: Autosomal dominant inheritance.
Comment: Mutations in HNF1A gene can predispose to MODY3. It is associated with both micro and macrovascular complications of diabetes, especially cardiovascular complications. Associated with glucosuria. May respond well to sulfonylureas. Sufficient evidence is found to confer the association of this particular variant rs1169289 with MODY3.

PreventionGenetics, part of Exact Sciences
Classification: Benign. Review status: criteria provided, single submitter. Criteria: ACMG Guidelines, 2015. Collection method: clinical testing. Allele origin: germline.

Genetic Services Laboratory, University of Chicago
Classification: Likely benign for AllHighlyPenetrant. Review status: no assertion criteria provided. Collection method: clinical testing. Allele origin: germline. Inheritance: Autosomal dominant inheritance. Not counted in ClinVar's aggregate classification.
Comment: Likely benign based on allele frequency in 1000 Genomes Project or ESP global frequency and its presence in a patient with a rare or unrelated disease phenotype. NOT Sanger confirmed.

Literature cited by the submitters: PubMed 10588527 (cited by Athena Diagnostics); PubMed 10634407 (cited by Athena Diagnostics); PubMed 12574234 (cited by Athena Diagnostics); PubMed 12627330 (cited by Athena Diagnostics); PubMed 15761192 (cited by Athena Diagnostics); PubMed 16963153 (cited by Athena Diagnostics); PubMed 17192490 (cited by Athena Diagnostics); PubMed 17407072 (cited by Athena Diagnostics); PubMed 17440016 (cited by Athena Diagnostics); PubMed 17573900 (cited by Athena Diagnostics); PubMed 17937063 (cited by Athena Diagnostics); PubMed 18811724 (cited by Athena Diagnostics); PubMed 8945470 (cited by Athena Diagnostics); PubMed 9112026 (cited by Athena Diagnostics); PubMed 9287053 (cited by Athena Diagnostics); PubMed 9604876 (cited by Athena Diagnostics); PubMed 34668636 (cited by Clinical Genomics, Uppaluri K&H Personalized Medicine Clinic); PubMed 26981542 (cited by Clinical Genomics, Uppaluri K&H Personalized Medicine Clinic); PubMed 27035118 (cited by Clinical Genomics, Uppaluri K&H Personalized Medicine Clinic).

NM_000545.8(HNF1A):c.51C>G (p.Leu17=)

Gene: HNF1A (HNF1 homeobox A; plus strand). Cytogenetic location: 12q24.31.
Variant type: single nucleotide variant.
Coding change: c.51C>G on transcript NM_000545.8 (MANE Select); coding-DNA position 51, C replaced by G.
Protein change: p.Leu17=; no amino-acid change (leucine 17 retained).
Molecular consequence: synonymous variant.
Genome position (GRCh38, 1-based): chr12:120,978,819, C>G. VCF-style: chr12-120978819-C-G. GRCh37 (hg19) VCF-style: chr12-121416622-C-G.
Other names: p.L17L:CTC>CTG; c.51C>G, p.Leu17= (NM_001306179.2).
Identifiers: ClinVar variation 129234 (VCV000129234.28), dbSNP rs1169289, ClinGen allele CA153097.